The following is an entry in ClinVar:

NM_004208.4(AIFM1):c.271G>A (p.Asp91Asn)

Genes: AIFM1 (apoptosis inducing factor mitochondria associated 1; minus strand), RAB33A (RAB33A, member RAS oncogene family; plus strand). Cytogenetic location: Xq26.1.
Variant type: single nucleotide variant.
Coding change: c.271G>A on transcript NM_004208.4 (MANE Select); coding-DNA position 271, G replaced by A.
Protein change: p.Asp91Asn; replaces aspartic acid 91 with asparagine.
Molecular consequence: missense variant. On other transcripts: non-coding transcript variant (1).
Genome position (GRCh38, 1-based): chrX:130,149,547, C>T on the plus strand (G>A on the coding strand, the complement: AIFM1 is on the minus strand). VCF-style: chrX-130149547-C-T. GRCh37 (hg19) VCF-style: chrX-129283522-C-T.
Other names: c.271G>A, p.Asp91Asn (NM_001130847.4); c.259G>A, p.Asp87Asn (NM_145812.3); short protein forms D87N, D91N.
Identifiers: ClinVar variation 1520751 (VCV001520751.8), dbSNP rs1362616989, ClinGen allele CA414591200.
Genomic context (GRCh38, chrX:130,149,547, plus strand): 5'-TCTGTTTCTGTTCTGGTGTCAGCCCTAACCCTGAAATTCTTTCATTGTATCTTTTTTCAT[C>T]CTCTTTCATAGTCTTGTAGGCCTGCGGATCCAAACATGGAGAAAGTTTATTTCACCATAC-3'
Protein context (NP_004199.1, residues 81-101): GAYAYKTMKE[Asp91Asn]EKRYNERISG

ClinVar aggregate classification (germline): Uncertain significance (1 of 4 stars; one submission).

Conditions:
Charcot-Marie-Tooth Neuropathy X. Identifiers: MedGen CN118851.
Combined oxidative phosphorylation deficiency. Identifiers: MedGen C4540031, MONDO:0000732.

Allele frequency attached by ClinVar (database versions not stated): gnomAD exomes below 0.00001.
gnomAD v4.1: 1 of 1,208,095 alleles (0.000083%); highest among the groups gnomAD compares: African/African-American, 0.0017%; no homozygotes.

Submission:

Labcorp Genetics (formerly Invitae), Labcorp
Classification: Uncertain significance for Charcot-Marie-Tooth Neuropathy X; Combined oxidative phosphorylation deficiency. Last evaluated: 2025-06-03. Review status: criteria provided, single submitter. Criteria: Invitae Variant Classification Sherloc (09022015). Collection method: clinical testing. Allele origin: germline.
Comment: This sequence change replaces aspartic acid, which is acidic and polar, with asparagine, which is neutral and polar, at codon 91 of the AIFM1 protein (p.Asp91Asn). This variant is not present in population databases (gnomAD no frequency). This variant has not been reported in the literature in individuals affected with AIFM1-related conditions. ClinVar contains an entry for this variant (Variation ID: 1520751). Invitae Evidence Modeling of protein sequence and biophysical properties (such as structural, functional, and spatial information, amino acid conservation, physicochemical variation, residue mobility, and thermodynamic stability) indicates that this missense variant is not expected to disrupt AIFM1 protein function with a negative predictive value of 80%. In summary, the available evidence is currently insufficient to determine the role of this variant in disease. Therefore, it has been classified as a Variant of Uncertain Significance.